The following is an entry in ClinVar:

NM_001367721.1(CASK):c.916-2A>T

Gene: CASK (calcium/calmodulin dependent serine protein kinase; minus strand). Cytogenetic location: Xp11.4.
Variant type: single nucleotide variant.
Coding change: c.916-2A>T on transcript NM_001367721.1 (MANE Select); the canonical splice acceptor site of the intron before coding-DNA position 916, A replaced by T.
Molecular consequence: splice acceptor variant.
Genome position (GRCh38, 1-based): chrX:41,626,705, T>A on the plus strand (A>T on the coding strand, the complement: CASK is on the minus strand). VCF-style: chrX-41626705-T-A. GRCh37 (hg19) VCF-style: chrX-41485958-T-A.
Other names: c.916-2A>T (NM_001126055.3, NM_001410745.1, NM_001126054.3 and 1 more transcripts).
Identifiers: ClinVar variation 4795944 (VCV004795944.1).

ClinVar aggregate classification (germline): Likely pathogenic (1 of 4 stars; one submission).

Conditions:
Syndromic X-linked intellectual disability Najm type (MICPCH). Also called: Mental retardation and microcephaly with pontine and cerebellar hypoplasia; MENTAL RETARDATION, X-LINKED, SYNDROMIC, NAJM TYPE; MICPCH SYNDROME; Intellectual developmental disorder and microcephaly with pontine and cerebellar hypoplasia; Intellectual Disability and Microcephaly with Pontine and Cerebellar Hypoplasia; Intellectual Disability and Microcephaly with Pontine and Cerebellar Hypoplasia (MICPCH). Identifiers: Orphanet 163937, MedGen C2677903, MONDO:0010417, OMIM 300749.

Submission:

Variantyx, Inc.
Classification: Likely pathogenic for Syndromic X-linked intellectual disability Najm type. Last evaluated: 2025-09-15. Review status: criteria provided, single submitter. Criteria: Variantyx Assertion Criteria 2022. Collection method: clinical testing. Allele origin: maternal. Inheritance: X-linked dominant inheritance. Affected: yes.
Comment: This is a canonical splicing variant in the CASK gene (OMIM: 300172). Pathogenic variants in this gene have been associated with X-linked intellectual developmental disorder and microcephaly with pontine and cerebellar hypoplasia. Loss of function is a known disease mechanism for CASK in this disorder (PMID: 22452838, 21954287). However, the functional consequence of this splicing variant cannot be predicted with certainty (PVS1_Moderate). This variant is absent from control populations (PM2). Based on the current evidence, this variant is classified as likely pathogenic for X-linked intellectual developmental disorder and microcephaly with pontine and cerebellar hypoplasia.

Literature cited by the submitters: PubMed 22452838; PubMed 21954287.